The following is an entry in ClinVar:

NM_004100.5(EYA4):c.209-2A>G

Gene: EYA4 (EYA transcriptional coactivator and phosphatase 4; plus strand). Cytogenetic location: 6q23.2.
Variant type: single nucleotide variant.
Coding change: c.209-2A>G on transcript NM_004100.5 (MANE Select); the canonical splice acceptor site of the intron before coding-DNA position 209, A replaced by G.
Molecular consequence: splice acceptor variant. On other transcripts: intron variant (4).
Genome position (GRCh38, 1-based): chr6:133,448,109, A>G. VCF-style: chr6-133448109-A-G. GRCh37 (hg19) VCF-style: chr6-133769247-A-G.
Other names: c.209-2A>G (NM_001301013.2, NM_172105.4); c.208+1355A>G (NM_001370458.1, NM_172103.4, NM_001370459.1 and 1 more transcripts).
Identifiers: ClinVar variation 3772385 (VCV003772385.13).

ClinVar aggregate classification (germline): Uncertain significance (1 of 4 stars; one submission).

Submission:

CeGaT Center for Human Genetics Tuebingen
Classification: Uncertain significance. Last evaluated: 2025-03-01. Review status: criteria provided, single submitter. Criteria: CeGaT Center For Human Genetics Tuebingen Variant Classification Criteria Version 2. Collection method: clinical testing. Allele origin: germline. Affected: yes. Observed: 2 variant alleles.
Comment: EYA4: PM2, PVS1:Moderate